The following is an entry in ClinVar:

NM_020738.4(KIDINS220):c.3107C>A (p.Thr1036Asn)

Gene: KIDINS220 (kinase D interacting substrate 220; minus strand). Cytogenetic location: 2p25.1.
Variant type: single nucleotide variant.
Coding change: c.3107C>A on transcript NM_020738.4 (MANE Select); coding-DNA position 3107, C replaced by A.
Protein change: p.Thr1036Asn; replaces threonine 1036 with asparagine.
Molecular consequence: missense variant. On other transcripts: non-coding transcript variant (2).
Genome position (GRCh38, 1-based): chr2:8,751,549, G>T on the plus strand (C>A on the coding strand, the complement: KIDINS220 is on the minus strand). VCF-style: chr2-8751549-G-T. GRCh37 (hg19) VCF-style: chr2-8891679-G-T.
Other names: c.3110C>A, p.Thr1037Asn (NM_001348734.2, NM_001348739.2, NM_001348729.2 and 2 more transcripts); c.3107C>A, p.Thr1036Asn (NM_001348735.2, NM_001348738.2, NM_001348732.2 and 3 more transcripts); c.2981C>A, p.Thr994Asn (NM_001348736.2); short protein forms T1036N, T1037N, T994N.
Identifiers: ClinVar variation 3348811 (VCV003348811.2).
Genomic context (GRCh38, chr2:8,751,549, plus strand): 5'-GGATCTAGGTTTACAGTGCATGGCAAAAAGACTTTTACATCTCGAGCCACAAGAACTGGG[G>T]TCCTTGAAGACAAAAACACTTCAAAATTTCTTATATCTCCATCAATTTCAAGAAGTGGCT-3'
Protein context (NP_065789.1, residues 1026-1046): RNFEVFLSSR[Thr1036Asn]PVLVARDVKV

ClinVar aggregate classification (germline): Uncertain significance (1 of 4 stars; one submission).

Conditions:
KIDINS220-related disorder. Also called: KIDINS220-related condition.

Submission:

PreventionGenetics, part of Exact Sciences
Classification: Uncertain significance for KIDINS220-related condition. Last evaluated: 2024-10-14. Review status: criteria provided, single submitter. Criteria: ACMG Guidelines, 2015. Collection method: clinical testing. Allele origin: germline.
Comment: The KIDINS220 c.3107C>A variant is predicted to result in the amino acid substitution p.Thr1036Asn. To our knowledge, this variant has not been reported in the literature or in a large population database, indicating this variant is rare. At this time, the clinical significance of this variant is uncertain due to the absence of conclusive functional and genetic evidence.